The following is an entry in ClinVar:

NM_000038.6(APC):c.1021C>T (p.Gln341Ter)

Gene: APC (APC regulator of Wnt signaling pathway; plus strand). Cytogenetic location: 5q22.2.
Variant type: single nucleotide variant.
Coding change: c.1021C>T on transcript NM_000038.6 (MANE Select); coding-DNA position 1021, C replaced by T.
Protein change: p.Gln341Ter; replaces glutamine 341 with a stop codon.
Molecular consequence: nonsense. On other transcripts: non-coding transcript variant (2), intron variant (15).
Genome position (GRCh38, 1-based): chr5:112,819,053, C>T. VCF-style: chr5-112819053-C-T. GRCh37 (hg19) VCF-style: chr5-112154750-C-T.
Other names: c.1021C>T, p.Gln341Ter (NM_001127510.3, NM_001354895.2, NM_001354896.2 and 4 more transcripts); c.967C>T, p.Gln323Ter (NM_001127511.3); c.1051C>T, p.Gln351Ter (NM_001354897.2, NM_001407446.1); c.946C>T, p.Gln316Ter (NM_001354898.2, NM_001407451.1); c.937C>T, p.Gln313Ter (NM_001354899.2, NM_001407452.1); c.844C>T, p.Gln282Ter (NM_001354900.2, NM_001354901.2, NM_001407453.1); c.172C>T, p.Gln58Ter (NM_001354906.2, NM_001407470.1); c.85-216C>T (NM_001407472.1, NM_001407471.1); and 5 more; short protein forms Q282*, Q313*, Q316*, Q323*, Q341*, Q351*, Q58*.
Identifiers: ClinVar variation 2584050 (VCV002584050.1), dbSNP rs77058194, ClinGen allele CA16023544.

ClinVar aggregate classification (germline): Pathogenic (1 of 4 stars; one submission).

Conditions:
Familial adenomatous polyposis 1 (FAP1). Also called: FAMILIAL ADENOMATOUS POLYPOSIS 1, ATTENUATED; POLYPOSIS, ADENOMATOUS INTESTINAL. Identifiers: MedGen C2713442, MONDO:0021056, OMIM 175100. Disease mechanism: loss of function.

Submission:

Myriad Genetics, Inc.
Classification: Pathogenic for Familial adenomatous polyposis 1. Last evaluated: 2023-04-28. Review status: criteria provided, single submitter. Criteria: Myriad Autosomal Dominant, Autosomal Recessive and X-Linked Classification Criteria (2023). Collection method: clinical testing. Allele origin: unknown.
Comment: This variant is considered pathogenic. This variant creates a termination codon and is predicted to result in premature protein truncation.